The following is an entry in ClinVar:

ClinVar aggregate classification (germline): Uncertain significance. Review status: criteria provided, multiple submitters, no conflicts (2 of 4 stars). 2 submissions from 2 submitters: Uncertain significance (2). Last evaluated 2025-03-17.

Conditions:
Hyperkalemic periodic paralysis. Also called: Familial hyperkalemic periodic paralysis; Gamstorp disease. Identifiers: Orphanet 682, MedGen C0238357, MONDO:0008224, OMIM 170500, HP:0007215.

Allele frequency attached by ClinVar (database versions not stated): ExAC 0.00002; ESP Exome Variant Server 0.00008.
gnomAD v4.1: 14 of 1,613,774 alleles (0.00087%); highest among the groups gnomAD compares: African/African-American, 0.0013%; no homozygotes.

Submissions (2):

Labcorp Genetics (formerly Invitae), Labcorp
Classification: Uncertain significance for Hyperkalemic periodic paralysis. Last evaluated: 2025-03-17. Review status: criteria provided, single submitter. Criteria: Invitae Variant Classification Sherloc (09022015). Collection method: clinical testing. Allele origin: germline.
Comment: This sequence change replaces tryptophan, which is neutral and slightly polar, with arginine, which is basic and polar, at codon 306 of the SCN4A protein (p.Trp306Arg). This variant is present in population databases (rs377602871, gnomAD 0.003%). This variant has not been reported in the literature in individuals affected with SCN4A-related conditions. ClinVar contains an entry for this variant (Variation ID: 2504130). Invitae Evidence Modeling of protein sequence and biophysical properties (such as structural, functional, and spatial information, amino acid conservation, physicochemical variation, residue mobility, and thermodynamic stability) indicates that this missense variant is not expected to disrupt SCN4A protein function with a negative predictive value of 95%. In summary, the available evidence is currently insufficient to determine the role of this variant in disease. Therefore, it has been classified as a Variant of Uncertain Significance.

Centre of Medical Genetics, University Hospital Muenster
Classification: Uncertain significance. Last evaluated: 2023-03-03. Review status: criteria provided, single submitter. Criteria: ACMG Guidelines, 2015. Collection method: clinical testing. Allele origin: unknown. Affected: yes. Observed: 1 variant allele, 1 heterozygote.
Comment: ACMG categories: PM1,PM2,BP4

NM_000334.4(SCN4A):c.916T>C (p.Trp306Arg)

Gene: SCN4A (sodium voltage-gated channel alpha subunit 4; minus strand). Cytogenetic location: 17q23.3.
Variant type: single nucleotide variant.
Coding change: c.916T>C on transcript NM_000334.4 (MANE Select); coding-DNA position 916, T replaced by C.
Protein change: p.Trp306Arg; replaces tryptophan 306 with arginine.
Molecular consequence: missense variant.
Genome position (GRCh38, 1-based): chr17:63,968,143, A>G on the plus strand (T>C on the coding strand, the complement: SCN4A is on the minus strand). VCF-style: chr17-63968143-A-G. GRCh37 (hg19) VCF-style: chr17-62045503-A-G.
Other names: short protein forms W306R.
Identifiers: ClinVar variation 2504130 (VCV002504130.5), dbSNP rs377602871, ClinGen allele CA8710001.
Genomic context (GRCh38, chr17:63,968,143, plus strand): 5'-TGTTCCACGTGTCGTTGGCATACCATGAGTCATTGCCGTACCACATCTCATTGCCATACC[A>G]TGTGTCATTGCCGTACCACGTGTCATTGCTGTACCACGTGGTGTTGGTGTCGTTGAACGG-3'
Protein context (NP_000325.4, residues 296-316): SNDTWYGNDT[Trp306Arg]YGNEMWYGND